The following is an entry in ClinVar:

ClinVar aggregate classification (germline): Uncertain significance (1 of 4 stars; one submission).

Submission:

Labcorp Genetics (formerly Invitae), Labcorp
Classification: Uncertain significance. Last evaluated: 2023-10-19. Review status: criteria provided, single submitter. Criteria: Invitae Variant Classification Sherloc (09022015). Collection method: clinical testing. Allele origin: germline.
Comment: This sequence change replaces lysine, which is basic and polar, with threonine, which is neutral and polar, at codon 620 of the EMC1 protein (p.Lys620Thr). This variant is not present in population databases (gnomAD no frequency). This variant has not been reported in the literature in individuals affected with EMC1-related conditions. Advanced modeling of protein sequence and biophysical properties (such as structural, functional, and spatial information, amino acid conservation, physicochemical variation, residue mobility, and thermodynamic stability) performed at Invitae indicates that this missense variant is not expected to disrupt EMC1 protein function. Algorithms developed to predict the effect of sequence changes on RNA splicing suggest that this variant may create or strengthen a splice site. In summary, the available evidence is currently insufficient to determine the role of this variant in disease. Therefore, it has been classified as a Variant of Uncertain Significance.

NM_015047.3(EMC1):c.1859A>C (p.Lys620Thr)

Genes: EMC1 (ER membrane protein complex subunit 1; minus strand), EMC1-AS1 (EMC1 antisense RNA 1; plus strand). Cytogenetic location: 1p36.13.
Variant type: single nucleotide variant.
Coding change: c.1859A>C on transcript NM_015047.3 (MANE Select); coding-DNA position 1859, A replaced by C.
Protein change: p.Lys620Thr; replaces lysine 620 with threonine.
Molecular consequence: missense variant.
Genome position (GRCh38, 1-based): chr1:19,231,346, T>G on the plus strand (A>C on the coding strand, the complement: EMC1 is on the minus strand). VCF-style: chr1-19231346-T-G. GRCh37 (hg19) VCF-style: chr1-19557840-T-G.
Other names: c.1856A>C, p.Lys619Thr (NM_001271427.2, NM_001271428.2); c.1793A>C, p.Lys598Thr (NM_001271429.2); c.1868A>C, p.Lys623Thr (NM_001375820.1); c.1865A>C, p.Lys622Thr (NM_001375821.1); short protein forms K620T, K622T, K598T, K619T, K623T.
Identifiers: ClinVar variation 2749891 (VCV002749891.3), dbSNP rs1287879247, ClinGen allele CA338759533.